The following is an entry in ClinVar:

ClinVar aggregate classification (germline): Conflicting classifications of pathogenicity. Review status: criteria provided, conflicting classifications (1 of 4 stars). 5 submissions from 5 submitters: Uncertain significance (3); Likely benign (1). 1 of the submissions does not count toward it. Last evaluated 2025-07-14.

Conditions:
Hereditary breast ovarian cancer syndrome. Also called: Hereditary breast and ovarian cancer syndrome; Hereditary breast and ovarian cancer; Hereditary breast and ovarian cancer syndrome (HBOC); Breast and ovarian cancer; Hereditary breast and/or ovarian cancer syndrome; BRCA1- and BRCA2-Associated Hereditary Breast and Ovarian Cancer. Identifiers: Orphanet 145, MedGen C0677776, MeSH D061325, MONDO:0003582. Disease mechanism: loss of function.
Hereditary cancer-predisposing syndrome. Also called: Neoplastic Syndromes, Hereditary; Tumor predisposition; Hereditary neoplastic syndrome; Hereditary Cancer Syndrome. Identifiers: Orphanet 140162, MedGen C0027672, MeSH D009386, MONDO:0015356.
Breast-ovarian cancer, familial, susceptibility to, 2 (BROVCA2). Also called: BRCA2 Hereditary Breast and Ovarian Cancer. Identifiers: Orphanet 145, MedGen C2675520, MONDO:0012933, OMIM 612555. Disease mechanism: loss of function.

Allele frequency attached by ClinVar (database versions not stated): gnomAD exomes below 0.00001.
gnomAD v4.1: 2 of 1,613,948 alleles (0.00012%); highest among the groups gnomAD compares: Non-Finnish European, 0.000085%; no homozygotes.

Submissions (5):

Labcorp Genetics (formerly Invitae), Labcorp
Classification: Uncertain significance for Hereditary breast ovarian cancer syndrome. Last evaluated: 2025-07-14. Review status: criteria provided, single submitter. Criteria: Invitae Variant Classification Sherloc (09022015). Collection method: clinical testing. Allele origin: germline.
Comment: This sequence change replaces isoleucine, which is neutral and non-polar, with threonine, which is neutral and polar, at codon 2003 of the BRCA2 protein (p.Ile2003Thr). This variant is not present in population databases (gnomAD no frequency). This variant has not been reported in the literature in individuals affected with BRCA2-related conditions. ClinVar contains an entry for this variant (Variation ID: 51987). Invitae Evidence Modeling of protein sequence and biophysical properties (such as structural, functional, and spatial information, amino acid conservation, physicochemical variation, residue mobility, and thermodynamic stability) indicates that this missense variant is not expected to disrupt BRCA2 protein function with a negative predictive value of 95%. In summary, the available evidence is currently insufficient to determine the role of this variant in disease. Therefore, it has been classified as a Variant of Uncertain Significance.

Quest Diagnostics Nichols Institute San Juan Capistrano
Classification: Uncertain significance. Last evaluated: 2025-07-01. Review status: criteria provided, single submitter. Criteria: Quest Diagnostics criteria. Collection method: clinical testing. Allele origin: unknown.
Comment: The BRCA2 c.6008T>C (p.Ile2003Thr) variant has been reported in the published literature in an individual with a personal and/or family history of breast cancer (PMID: 37415649 (2023)). Additionally, this variant has been reported in a region of the BRCA2 gene that is tolerant to missense sequence changes (PMID: 31911673 (2020)). This variant has not been reported in large, multi-ethnic general populations (Genome Aggregation Database). Analysis of this variant using bioinformatics tools for the prediction of the effect of amino acid changes on protein structure and function yielded predictions that this variant is benign. Based on the available information, we are unable to determine the clinical significance of this variant.

Ambry Genetics
Classification: Uncertain significance for Hereditary cancer-predisposing syndrome. Last evaluated: 2023-11-13. Review status: criteria provided, single submitter. Criteria: Ambry Variant Classification Scheme 2023. Collection method: clinical testing. Allele origin: germline.
Comment: The p.I2003T variant (also known as c.6008T>C), located in coding exon 10 of the BRCA2 gene, results from a T to C substitution at nucleotide position 6008. The isoleucine at codon 2003 is replaced by threonine, an amino acid with similar properties. This alteration was identified in an individual diagnosed with breast cancer (Boga I et al. Eur J Breast Health, 2023 Jul;19:235-252). This amino acid position is poorly conserved in available vertebrate species. In addition, this alteration is predicted to be tolerated by in silico analysis. Since supporting evidence is limited at this time, the clinical significance of this alteration remains unclear.

University of Washington Department of Laboratory Medicine, University of Washington
Classification: Likely benign for Hereditary cancer-predisposing syndrome. Last evaluated: 2023-03-23. Review status: criteria provided, single submitter. Criteria: Dines et al. (Genet Med. 2020). Collection method: curation. Allele origin: germline.
Comment: Missense variant in a coldspot region where missense variants are very unlikely to be pathogenic (PMID:31911673).

BRCA2 exon 11 coldspot. Reclassification based on statistical prior probability.

Breast Cancer Information Core (BIC) (BRCA2)
Classification: Uncertain significance for Breast-ovarian cancer, familial 2. Last evaluated: 2003-12-23. Review status: no assertion criteria provided. Collection method: clinical testing. Allele origin: germline. Affected: yes. Observed: 1 variant allele. Not counted in ClinVar's aggregate classification.

Literature cited by the submitters: PubMed 37415649 (cited by Quest Diagnostics Nichols Institute San Juan Capistrano and Ambry Genetics); PubMed 31911673 (cited by Quest Diagnostics Nichols Institute San Juan Capistrano).

NM_000059.4(BRCA2):c.6008T>C (p.Ile2003Thr)

Gene: BRCA2 (BRCA2 DNA repair associated; plus strand). Cytogenetic location: 13q13.1.
Variant type: single nucleotide variant.
Coding change: c.6008T>C on transcript NM_000059.4 (MANE Select); coding-DNA position 6008, T replaced by C.
Protein change: p.Ile2003Thr; replaces isoleucine 2003 with threonine.
Molecular consequence: missense variant.
Genome position (GRCh38, 1-based): chr13:32,340,363, T>C. VCF-style: chr13-32340363-T-C. GRCh37 (hg19) VCF-style: chr13-32914500-T-C.
Other names: short protein forms I2003T.
Identifiers: ClinVar variation 51987 (VCV000051987.13), dbSNP rs80358837, ClinGen allele CA023504.
Genomic context (GRCh38, chr13:32,340,363, plus strand): 5'-GAAAATCTGTCCAGGTATCAGATGCTTCATTACAAAACGCAAGACAAGTGTTTTCTGAAA[T>C]AGAAGATAGTACCAAGCAAGTCTTTTCCAAAGTATTGTTTAAAAGTAACGAACATTCAGA-3'
Protein context (NP_000050.3, residues 1993-2013): LQNARQVFSE[Ile2003Thr]EDSTKQVFSK